The following is an entry in ClinVar:

NM_001166108.2(PALLD):c.1965-12601A>G

Gene: PALLD (palladin, cytoskeletal associated protein; plus strand). Cytogenetic location: 4q32.3.
Variant type: single nucleotide variant.
Coding change: c.1965-12601A>G on transcript NM_001166108.2 (MANE Select); 12601 bases into the intron before coding-DNA position 1965, A replaced by G.
Molecular consequence: intron variant. On other transcripts: missense variant (1).
Genome position (GRCh38, 1-based): chr4:168,878,321, A>G. VCF-style: chr4-168878321-A-G. GRCh37 (hg19) VCF-style: chr4-169799472-A-G.
Other names: c.430A>G, p.Ser144Gly (NM_001166110.2); c.1965-12601A>G (NM_016081.4); c.819-12601A>G (NM_001166109.2); c.-157-12601A>G (NM_001367570.1, NM_001367568.1, NM_001367567.1 and 1 more transcripts); short protein forms S144G.
Identifiers: ClinVar variation 2197426 (VCV002197426.4), dbSNP rs1032107869, ClinGen allele CA110515948.
Genomic context (GRCh38, chr4:168,878,321, plus strand): 5'-TCCCACTGCTCGTCGCCTGCCACCCGCTTCGGCCACAGCCAGACGCCCGCGGCCTTCCTC[A>G]GCGCTCTGCTGCCCTCGCAGCCGCCGCCGGCGGCCGTCAACGCCCTGGGGCTGCCCAAGG-3'

ClinVar aggregate classification (germline): Uncertain significance (1 of 4 stars; one submission).

Conditions:
Pancreatic adenocarcinoma. Identifiers: MedGen C0281361, MONDO:0006047, HP:0006725.

Allele frequency attached by ClinVar (database versions not stated): gnomAD exomes below 0.00001.
gnomAD v4.1: 2 of 1,524,960 alleles (0.00013%); highest among the groups gnomAD compares: Admixed American, 0.002%; no homozygotes.

Submission:

Labcorp Genetics (formerly Invitae), Labcorp
Classification: Uncertain significance for Pancreatic adenocarcinoma. Last evaluated: 2022-08-20. Review status: criteria provided, single submitter. Criteria: Invitae Variant Classification Sherloc (09022015). Collection method: clinical testing. Allele origin: germline.
Comment: In summary, the available evidence is currently insufficient to determine the role of this variant in disease. Therefore, it has been classified as a Variant of Uncertain Significance. Algorithms developed to predict the effect of missense changes on protein structure and function (SIFT, PolyPhen-2, Align-GVGD) all suggest that this variant is likely to be tolerated. This variant has not been reported in the literature in individuals affected with PALLD-related conditions. This variant is not present in population databases (gnomAD no frequency). This sequence change replaces serine, which is neutral and polar, with glycine, which is neutral and non-polar, at codon 144 of the PALLD protein (p.Ser144Gly).